The following is an entry in ClinVar:

ClinVar aggregate classification (germline): Uncertain significance. Review status: criteria provided, multiple submitters, no conflicts (2 of 4 stars). 2 submissions from 2 submitters: Uncertain significance (2). Last evaluated 2024-12-31.

Conditions:
Rubinstein-Taybi syndrome due to CREBBP mutations (RSTS1). Also called: CREBBP-Related Rubinstein-Taybi Syndrome; Rubinstein-Taybi syndrome 1; BROAD THUMBS AND GREAT TOES, CHARACTERISTIC FACIES, AND IMPAIRED INTELLECTUAL DEVELOPMENT; RUBINSTEIN SYNDROME; RUBINSTEIN-TAYBI SYNDROME 1, INCOMPLETE; BROAD THUMB-HALLUX SYNDROME. Identifiers: Orphanet 353277, Orphanet 783, MedGen C4551859, MONDO:0008393, OMIM 180849.
CREBBP-related disorder. Also called: CREBBP-related condition; CREBBP-related disorders.

gnomAD v4.1: 1 of 1,613,914 alleles (0.000062%); highest among the groups gnomAD compares: South Asian, 0.0011%; no homozygotes.

Submissions (2):

PreventionGenetics, part of Exact Sciences
Classification: Uncertain significance for CREBBP-related condition. Last evaluated: 2024-12-31. Review status: criteria provided, single submitter. Criteria: ACMG Guidelines, 2015. Collection method: clinical testing. Allele origin: germline.
Comment: The CREBBP c.875G>A variant is predicted to result in the amino acid substitution p.Gly292Glu. This variant was reported in an individual with a neurodevelopmental disorder (Pranav Chand et al. 2023. PubMed ID: 36801247). This variant has not been reported in a large population database (gnomAD), indicating this variant is rare. At this time, the clinical significance of this variant is uncertain due to the absence of conclusive functional and genetic evidence.

Neuberg Centre For Genomic Medicine, NCGM
Classification: Uncertain significance for Rubinstein-Taybi syndrome due to CREBBP mutations. Review status: criteria provided, single submitter. Criteria: ACMG Guidelines, 2015. Collection method: clinical testing. Allele origin: germline. Affected: yes.
Comment: The missense variant p.G292E in CREBBP (NM_004380.3) has not been reported previously as a pathogenic variant nor as a benign variant, to our knowledge. The p.G292E variant is novel (not in any individuals) in gnomAD Exomes and is novel (not in any individuals) in 1000 Genomes. There is a moderate physicochemical difference between glycine and glutamic acid. The p.G292E missense variant is predicted to be damaging by both SIFT and PolyPhen2. The glycine residue at codon 292 of CREBBP is conserved in all mammalian species. The nucleotide c.875 in CREBBP is predicted conserved by GERP++ and PhyloP across 100 vertebrates. For these reasons, this variant has been classified as Uncertain Significance.

NM_004380.3(CREBBP):c.875G>A (p.Gly292Glu)

Gene: CREBBP (CREB binding lysine acetyltransferase; minus strand). Cytogenetic location: 16p13.3.
Variant type: single nucleotide variant.
Coding change: c.875G>A on transcript NM_004380.3 (MANE Select); coding-DNA position 875, G replaced by A.
Protein change: p.Gly292Glu; replaces glycine 292 with glutamic acid.
Molecular consequence: missense variant.
Genome position (GRCh38, 1-based): chr16:3,810,703, C>T on the plus strand (G>A on the coding strand, the complement: CREBBP is on the minus strand). VCF-style: chr16-3810703-C-T. GRCh37 (hg19) VCF-style: chr16-3860704-C-T.
Other names: c.875G>A, p.Gly292Glu (NM_001079846.1); short protein forms G292E.
Identifiers: ClinVar variation 1878542 (VCV001878542.2), dbSNP rs752252706, ClinGen allele CA394566053.